The following is an entry in ClinVar:

NM_014865.4(NCAPD2):c.3654-5T>A

Gene: NCAPD2 (non-SMC condensin I complex subunit D2; plus strand). Cytogenetic location: 12p13.31.
Variant type: single nucleotide variant.
Coding change: c.3654-5T>A on transcript NM_014865.4 (MANE Select); 5 bases into the intron before coding-DNA position 3654, T replaced by A.
Molecular consequence: intron variant.
Genome position (GRCh38, 1-based): chr12:6,529,770, T>A. VCF-style: chr12-6529770-T-A. GRCh37 (hg19) VCF-style: chr12-6638936-T-A.
Other names: NC_000012.11:g.6638936T>A.
Identifiers: ClinVar variation 2221784 (VCV002221784.3), dbSNP rs375342909, ClinGen allele CA6409159.
Genomic context (GRCh38, chr12:6,529,770, plus strand): 5'-TGGGGAAGGTTGAGCCTTTACTAGCTGGATCTCCCAGTTCCTCACAAAGCCCTTCCTATC[T>A]GCAGAACTGAGCGGCAGCAGCGAGACCTGGCCTACTGTGTGTCACAGCTGCCCCTCACAG-3'

ClinVar aggregate classification (germline): Uncertain significance (1 of 4 stars; one submission).

Conditions:
Inborn genetic diseases. Identifiers: MedGen C0950123, MeSH D030342.

Allele frequency attached by ClinVar (database versions not stated): ESP Exome Variant Server 0.00008; gnomAD exomes 0.00011; ExAC 0.00015; 1000 Genomes Project 30x 0.00016; 1000 Genomes Project 0.00020; TOPMed 0.00004; gnomAD 0.00007.
gnomAD v4.1: 172 of 1,611,070 alleles (0.011%); highest among the groups gnomAD compares: South Asian, 0.095%; 1 homozygote.

Submissions (2):

Ambry Genetics
Classification: Uncertain significance for Inborn genetic diseases. Last evaluated: 2021-11-29. Review status: criteria provided, single submitter. Criteria: Ambry Variant Classification Scheme 2023. Collection method: clinical testing. Allele origin: germline.
Comment: The c.3654-5T>A intronic alteration consists of a T to A substitution 5 nucleotides before exon 29 (coding exon 28) of the NCAPD2 gene. Based on insufficient or conflicting evidence, the clinical significance of this alteration remains unclear.

Dr. Peter K. Rogan Lab, Western University
No classification provided (evidence only). Condition: Sarcoma. Review status: no classification provided. Collection method: in vitro. Allele origin: not applicable. Functional consequence: retained intron. Not counted in ClinVar's aggregate classification.